The following is an entry in ClinVar:

ClinVar aggregate classification (germline): Benign. Review status: reviewed by expert panel (3 of 4 stars). 10 submissions from 10 submitters: Benign (1). 9 of the submissions do not count toward it. Last evaluated 2015-08-10.

Conditions:
Hereditary cancer-predisposing syndrome. Also called: Hereditary Cancer Syndrome; Hereditary neoplastic syndrome; Neoplastic Syndromes, Hereditary; Tumor predisposition. Identifiers: Orphanet 140162, MedGen C0027672, MeSH D009386, MONDO:0015356.
Hereditary breast ovarian cancer syndrome. Also called: BRCA1- and BRCA2-Associated Hereditary Breast and Ovarian Cancer; Hereditary breast and ovarian cancer syndrome; Hereditary breast and ovarian cancer syndrome (HBOC); Breast and ovarian cancer; Hereditary breast and/or ovarian cancer syndrome; Hereditary breast and ovarian cancer. Identifiers: Orphanet 145, MedGen C0677776, MeSH D061325, MONDO:0003582. Disease mechanism: loss of function.
Breast-ovarian cancer, familial, susceptibility to, 1 (BROVCA1). Also called: BRCA1 Hereditary Breast and Ovarian Cancer; OVARIAN CANCER, SUSCEPTIBILITY TO. Identifiers: Orphanet 145, MedGen C2676676, MONDO:0011450, OMIM 604370. Disease mechanism: loss of function.

Allele frequency attached by ClinVar (database versions not stated): ExAC 0.00001; gnomAD 0.00002 and 0.00001; gnomAD exomes 0.00001; TOPMed 0.00002.
gnomAD v4.1: 21 of 1,614,022 alleles (0.0013%); highest among the groups gnomAD compares: East Asian, 0.038%; no homozygotes.

Submissions (11):

Evidence-based Network for the Interpretation of Germline Mutant Alleles (ENIGMA)
Classification: Benign for Breast-ovarian cancer, familial 1. Last evaluated: 2015-08-10. Review status: reviewed by expert panel. Criteria: ENIGMA BRCA1/2 Classification Criteria (2015). Collection method: curation. Allele origin: germline.
Comment: IARC class based on posterior probability from multifactorial likelihood analysis, thresholds for class as per Plon et al. 2008 (PMID: 18951446). Class 1 based on posterior probability = 0.000161

Labcorp Genetics (formerly Invitae), Labcorp
Classification: Likely benign for Hereditary breast ovarian cancer syndrome. Last evaluated: 2025-12-23. Review status: criteria provided, single submitter. Criteria: Invitae Variant Classification Sherloc (09022015). Collection method: clinical testing. Allele origin: germline. Not counted in ClinVar's aggregate classification.

Quest Diagnostics Nichols Institute San Juan Capistrano
Classification: Likely benign. Last evaluated: 2025-09-22. Review status: criteria provided, single submitter. Criteria: Quest Diagnostics criteria. Collection method: clinical testing. Allele origin: unknown. Not counted in ClinVar's aggregate classification.

All of Us Research Program, National Institutes of Health
Classification: Benign for Breast-ovarian cancer, familial, susceptibility to, 1. Last evaluated: 2024-02-05. Review status: criteria provided, single submitter. Criteria: ACMG Guidelines, 2015. Collection method: clinical testing. Allele origin: germline. Inheritance: Autosomal dominant inheritance. Observed: 5 variant alleles, 5 heterozygotes. Not counted in ClinVar's aggregate classification.
Comment: This study involves interpretation of variants in research participants for the purpose of population health screening. Participant phenotype was not available at the time of variant classification. Additional details can be found in publication PMID: 35346344, PMCID: PMC8962531

Women's Health and Genetics/Laboratory Corporation of America, LabCorp
Classification: Benign. Last evaluated: 2019-10-11. Review status: criteria provided, single submitter. Criteria: LabCorp Variant Classification Summary - May 2015. Collection method: clinical testing. Allele origin: germline. Not counted in ClinVar's aggregate classification.
Comment: Variant summary: BRCA1 c.4985T>C (p.Phe1662Ser) results in a non-conservative amino acid change located in the BRCT domain of the encoded protein sequence. Four of five in-silico tools predict a benign effect of the variant on protein function. The variant affects the second to last nucleotide of exon 15, however 4/5 computational tools predict no significant impact on normal splicing which has been confirmed by a validated mini-gene assay (Ahlborn_2015). The variant allele was found at a frequency of 0.00011 in 272494 control chromosomes. This frequency is not significantly higher than expected for a pathogenic variant in BRCA1 causing Hereditary Breast and Ovarian Cancer (0.00011 vs 0.001), allowing no conclusion about variant significance. The variant, c.4985T>C, has been reported in the literature in individuals affected with Hereditary Breast and Ovarian Cancer (ElSaghir_2015, Park_2017, Ryu_2017, Judkins_2005), without strong evidence for causality. In addition, the variant is reported in a large Japanese case-control study at a higher frequency in controls compared to cases (Momozawa_2018), further evidence for the benign nature of this variant. A co-occurrence with another pathogenic BRCA1 variant, c.5074+1G>A, providing supporting evidence for a benign role. The variant has been reported as benign by several computational methods, including likelihood ratios models which include functional assays (Woods_2016, Millot_2012, Thouvenot_2016). A functional study reporting a transcriptional activation assay classified the variant as non-pathogenic based on this assay (Fernandes_2019). Five ClinVar submissions (evaluation after 2014) cite the variant as likely benign/benign. Based on the evidence outlined above, the variant was classified as benign.

GeneDx
Classification: Likely benign. Last evaluated: 2019-03-14. Review status: criteria provided, single submitter. Criteria: GeneDx Variant Classification Process June 2021. Collection method: clinical testing. Allele origin: germline. Affected: yes. Not counted in ClinVar's aggregate classification.
Comment: This variant is associated with the following publications: (PMID: 17924331, 18951461, 26778126, 25724305, 22753008, 21990134, 20516115, 17305420, 25777348, 17262179, 21447777, 27124784, 27272900, 28364669, 30209399, 30415210, 28111427, 30765603, 33087888)

Ambry Genetics
Classification: Benign for Hereditary cancer-predisposing syndrome. Last evaluated: 2016-03-01. Review status: criteria provided, single submitter. Criteria: Ambry Variant Classification Scheme 2023. Collection method: clinical testing. Allele origin: germline. Not counted in ClinVar's aggregate classification.

Color Diagnostics, LLC DBA Color Health
Classification: Benign for Hereditary cancer-predisposing syndrome. Last evaluated: 2016-02-17. Review status: criteria provided, single submitter. Criteria: ACMG Guidelines, 2015. Collection method: clinical testing. Allele origin: germline. Not counted in ClinVar's aggregate classification.

Counsyl
Classification: Benign for Breast-ovarian cancer, familial, susceptibility to, 1. Last evaluated: 2016-09-21. Review status: no assertion criteria provided. Collection method: clinical testing. Allele origin: unknown. Not counted in ClinVar's aggregate classification.

Breast Cancer Information Core (BIC) (BRCA1)
Classification: Uncertain significance for Breast-ovarian cancer, familial 1. Last evaluated: 2004-02-20. Review status: no assertion criteria provided. Collection method: clinical testing. Allele origin: germline. Affected: yes. Observed: 1 variant allele. Not counted in ClinVar's aggregate classification.

Brotman Baty Institute, University of Washington
No classification provided (evidence only). Condition: Breast-ovarian cancer, familial 1. Review status: no classification provided. Collection method: in vitro. Allele origin: not applicable. Functional consequence: functionally_normal. Not counted in ClinVar's aggregate classification.
ClinVar note: "not provided" was previously submitted as the classification for the variant. However, the classification appeared to be based only on an observation of functional data so it was converted to no classification on 2025-07-30.

Literature cited by the submitters: PubMed 21990134 (cited by 3 submitters); PubMed 30765603 (cited by Quest Diagnostics Nichols Institute San Juan Capistrano and Women's Health and Genetics/Laboratory Corporation of America, LabCorp); PubMed 30209399 (cited by Quest Diagnostics Nichols Institute San Juan Capistrano); PubMed 30415210 (cited by Quest Diagnostics Nichols Institute San Juan Capistrano); PubMed 33087888 (cited by Quest Diagnostics Nichols Institute San Juan Capistrano); PubMed 28111427 (cited by Quest Diagnostics Nichols Institute San Juan Capistrano and Women's Health and Genetics/Laboratory Corporation of America, LabCorp); PubMed 30287823 (cited by Quest Diagnostics Nichols Institute San Juan Capistrano and Women's Health and Genetics/Laboratory Corporation of America, LabCorp); PubMed 28781887 (cited by Quest Diagnostics Nichols Institute San Juan Capistrano and Women's Health and Genetics/Laboratory Corporation of America, LabCorp); PubMed 27272900 (cited by 3 submitters); PubMed 27124784 (cited by Quest Diagnostics Nichols Institute San Juan Capistrano and Counsyl); PubMed 25777348 (cited by Quest Diagnostics Nichols Institute San Juan Capistrano and Women's Health and Genetics/Laboratory Corporation of America, LabCorp); PubMed 25724305 (cited by 3 submitters); PubMed 20516115 (cited by 3 submitters); PubMed 17924331 (cited by 3 submitters); PubMed 16267036 (cited by Women's Health and Genetics/Laboratory Corporation of America, LabCorp and Counsyl); PubMed 22753008 (cited by Women's Health and Genetics/Laboratory Corporation of America, LabCorp and Ambry Genetics); PubMed 28364669 (cited by Women's Health and Genetics/Laboratory Corporation of America, LabCorp); PubMed 17305420 (cited by Ambry Genetics); PubMed 21447777 (cited by Counsyl); PubMed 26778126 (cited by Counsyl).

NM_007294.4(BRCA1):c.4985T>C (p.Phe1662Ser)

Gene: BRCA1 (BRCA1 DNA repair associated; minus strand). Cytogenetic location: 17q21.31.
Variant type: single nucleotide variant.
Coding change: c.4985T>C on transcript NM_007294.4 (MANE Select); coding-DNA position 4985, T replaced by C.
Protein change: p.Phe1662Ser; replaces phenylalanine 1662 with serine.
Molecular consequence: missense variant. On other transcripts: non-coding transcript variant (1).
Genome position (GRCh38, 1-based): chr17:43,070,929, A>G on the plus strand (T>C on the coding strand, the complement: BRCA1 is on the minus strand). VCF-style: chr17-43070929-A-G. GRCh37 (hg19) VCF-style: chr17-41222946-A-G.
Other names: 5104T>C; c.1673T>C, p.Phe558Ser (NM_001407983.1, NM_001407984.1, NM_001407985.1 and 13 more transcripts); c.1670T>C, p.Phe557Ser (NM_001408392.1, NM_001408396.1, NM_001408473.1 and 8 more transcripts); c.1667T>C, p.Phe556Ser (NM_001408407.1, NM_001408408.1, NM_001408406.1); c.1664T>C, p.Phe555Ser (NM_001408409.1); c.1601T>C, p.Phe534Ser (NM_001408410.1); c.1598T>C, p.Phe533Ser (NM_001408411.1); c.1595T>C, p.Phe532Ser (NM_001408412.1, NM_001408413.1, NM_001408414.1 and 2 more transcripts); and 71 more; short protein forms F1662S, F558S, F1615S, F1683S, F1621S, F1636S, F1657S, F1659S.
Identifiers: ClinVar variation 55339 (VCV000055339.28), dbSNP rs28897695, ClinGen allele CA003117.